The following is an entry in ClinVar:

ClinVar aggregate classification (germline): Uncertain significance (1 of 4 stars; one submission).

Submission:

Labcorp Genetics (formerly Invitae), Labcorp
Classification: Uncertain significance. Last evaluated: 2023-01-11. Review status: criteria provided, single submitter. Criteria: Invitae Variant Classification Sherloc (09022015). Collection method: clinical testing. Allele origin: germline.
Comment: This variant is not present in population databases (gnomAD no frequency). This sequence change replaces aspartic acid, which is acidic and polar, with glutamic acid, which is acidic and polar, at codon 1741 of the ARID1B protein (p.Asp1741Glu). This variant has not been reported in the literature in individuals affected with ARID1B-related conditions. In summary, the available evidence is currently insufficient to determine the role of this variant in disease. Therefore, it has been classified as a Variant of Uncertain Significance. Algorithms developed to predict the effect of missense changes on protein structure and function output the following: SIFT: "Tolerated"; PolyPhen-2: "Benign"; Align-GVGD: "Class C0". The glutamic acid amino acid residue is found in multiple mammalian species, which suggests that this missense change does not adversely affect protein function.

NM_001374828.1(ARID1B):c.5592C>G (p.Asp1864Glu)

Gene: ARID1B (AT-rich interaction domain 1B; plus strand). Cytogenetic location: 6q25.3.
Variant type: single nucleotide variant.
Coding change: c.5592C>G on transcript NM_001374828.1 (MANE Select); coding-DNA position 5592, C replaced by G.
Protein change: p.Asp1864Glu; replaces aspartic acid 1864 with glutamic acid.
Molecular consequence: missense variant.
Genome position (GRCh38, 1-based): chr6:157,206,364, C>G. VCF-style: chr6-157206364-C-G. GRCh37 (hg19) VCF-style: chr6-157527498-C-G.
Other names: c.5343C>G, p.Asp1781Glu (NM_001346813.1); c.3093C>G, p.Asp1031Glu (NM_001363725.2); c.5472C>G, p.Asp1824Glu (NM_001371656.1, NM_001374820.1); c.5433C>G, p.Asp1811Glu (NM_017519.3); c.5223C>G, p.Asp1741Glu (NM_020732.3); c.5010C>G, p.Asp1670Glu (NM_175863.2); short protein forms D1670E, D1031E, D1811E, D1824E, D1864E, D1741E, D1781E.
Identifiers: ClinVar variation 2827714 (VCV002827714.3), dbSNP rs775201232, ClinGen allele CA366246036.